The following is an entry in ClinVar:

ClinVar aggregate classification (germline): Uncertain significance (1 of 4 stars; one submission).

Conditions:
Hereditary cancer-predisposing syndrome. Also called: Neoplastic Syndromes, Hereditary; Tumor predisposition; Hereditary Cancer Syndrome; Hereditary neoplastic syndrome. Identifiers: Orphanet 140162, MedGen C0027672, MeSH D009386, MONDO:0015356.

gnomAD v4.1: 1 of 1,613,588 alleles (0.000062%); highest among the groups gnomAD compares: African/African-American, 0.0013%; no homozygotes.

Submission:

Ambry Genetics
Classification: Uncertain significance for Hereditary cancer-predisposing syndrome. Last evaluated: 2024-10-04. Review status: criteria provided, single submitter. Criteria: Ambry Variant Classification Scheme 2023. Collection method: clinical testing. Allele origin: germline.
Comment: The p.V409L variant (also known as c.1225G>T), located in coding exon 13 of the RB1 gene, results from a G to T substitution at nucleotide position 1225. The valine at codon 409 is replaced by leucine, an amino acid with highly similar properties. This amino acid position is conserved. In addition, the in silico prediction for this alteration is inconclusive. Based on the available evidence, the clinical significance of this variant remains unclear.

NM_000321.3(RB1):c.1225G>T (p.Val409Leu)

Gene: RB1 (RB transcriptional corepressor 1; plus strand). Cytogenetic location: 13q14.2.
Variant type: single nucleotide variant.
Coding change: c.1225G>T on transcript NM_000321.3 (MANE Select); coding-DNA position 1225, G replaced by T.
Protein change: p.Val409Leu; replaces valine 409 with leucine.
Molecular consequence: missense variant.
Genome position (GRCh38, 1-based): chr13:48,376,927, G>T. VCF-style: chr13-48376927-G-T. GRCh37 (hg19) VCF-style: chr13-48951063-G-T.
Other names: c.1225G>T, p.Val409Leu (NM_001407165.1, NM_001407166.1); short protein forms V409L.
Identifiers: ClinVar variation 3430899 (VCV003430899.1).